The following is an entry in ClinVar:

ClinVar aggregate classification (germline): Uncertain significance (1 of 4 stars; one submission).

Conditions:
Duchenne muscular dystrophy (DMD). Also called: Duchenne Muscular Dystrophy (DMD); MUSCULAR DYSTROPHY, PSEUDOHYPERTROPHIC PROGRESSIVE, DUCHENNE TYPE. Identifiers: Orphanet 98896, MedGen C0013264, MONDO:0010679, OMIM 310200.

Submission:

Labcorp Genetics (formerly Invitae), Labcorp
Classification: Uncertain significance for Duchenne muscular dystrophy. Last evaluated: 2025-01-19. Review status: criteria provided, single submitter. Criteria: Invitae Variant Classification Sherloc (09022015). Collection method: clinical testing. Allele origin: germline.
Comment: This sequence change replaces serine, which is neutral and polar, with isoleucine, which is neutral and non-polar, at codon 404 of the DMD protein (p.Ser404Ile). This variant is not present in population databases (gnomAD no frequency). This missense change has been observed in individual(s) with Duchenne Muscular Dystrophy (PMID: 16770791). Invitae Evidence Modeling of protein sequence and biophysical properties (such as structural, functional, and spatial information, amino acid conservation, physicochemical variation, residue mobility, and thermodynamic stability) indicates that this missense variant is not expected to disrupt DMD protein function with a negative predictive value of 95%. In summary, the available evidence is currently insufficient to determine the role of this variant in disease. Therefore, it has been classified as a Variant of Uncertain Significance.

Literature cited by the submitters: PubMed 16770791.

NM_004006.3(DMD):c.1211G>T (p.Ser404Ile)

Gene: DMD (dystrophin; minus strand). Cytogenetic location: Xp21.1.
Variant type: single nucleotide variant.
Coding change: c.1211G>T on transcript NM_004006.3 (MANE Select); coding-DNA position 1211, G replaced by T.
Protein change: p.Ser404Ile; replaces serine 404 with isoleucine.
Molecular consequence: missense variant.
Genome position (GRCh38, 1-based): chrX:32,644,252, C>A on the plus strand (G>T on the coding strand, the complement: DMD is on the minus strand). VCF-style: chrX-32644252-C-A. GRCh37 (hg19) VCF-style: chrX-32662369-C-A.
Other names: c.1187G>T, p.Ser396Ile (NM_000109.4); c.1199G>T, p.Ser400Ile (NM_004009.3); c.842G>T, p.Ser281Ile (NM_004010.3); short protein forms S404I, S396I, S400I, S281I.
Identifiers: ClinVar variation 3720654 (VCV003720654.2), dbSNP rs398123851.